The following is an entry in ClinVar:

ClinVar aggregate classification (germline): Likely benign. Review status: criteria provided, multiple submitters, no conflicts (2 of 4 stars). 2 submissions from 2 submitters: Likely benign (2). Last evaluated 2023-06-08.

Conditions:
Familial thoracic aortic aneurysm and aortic dissection (TAAD). Also called: Thoracic aortic aneurysms and dissections. Identifiers: Orphanet 91387, MedGen C4707243, MONDO:0019625.

gnomAD v4.1: 4 of 1,613,078 alleles (0.00025%); highest among the groups gnomAD compares: East Asian, 0.0022%; no homozygotes.

Submissions (2):

All of Us Research Program, National Institutes of Health
Classification: Likely benign for Familial thoracic aortic aneurysm and aortic dissection. Last evaluated: 2023-06-08. Review status: criteria provided, single submitter. Criteria: ACMG Guidelines, 2015. Collection method: clinical testing. Allele origin: germline. Inheritance: Autosomal dominant inheritance. Observed: 1 variant allele, 1 heterozygote.
Comment: This study involves interpretation of variants in research participants for the purpose of population health screening. Participant phenotype was not available at the time of variant classification. Additional details can be found in publication PMID: 35346344, PMCID: PMC8962531

Color Diagnostics, LLC DBA Color Health
Classification: Likely benign for Familial thoracic aortic aneurysm and aortic dissection. Last evaluated: 2020-07-13. Review status: criteria provided, single submitter. Criteria: ACMG Guidelines, 2015. Collection method: clinical testing. Allele origin: germline.

NM_002474.3(MYH11):c.3786G>A (p.Gln1262=)

Gene: MYH11 (myosin heavy chain 11; minus strand). Cytogenetic location: 16p13.11.
Variant type: single nucleotide variant.
Coding change: c.3786G>A on transcript NM_002474.3 (MANE Select); coding-DNA position 3786, G replaced by A.
Protein change: p.Gln1262=; no amino-acid change (glutamine 1262 retained).
Molecular consequence: synonymous variant.
Genome position (GRCh38, 1-based): chr16:15,726,920, C>T on the plus strand (G>A on the coding strand, the complement: MYH11 is on the minus strand). VCF-style: chr16-15726920-C-T. GRCh37 (hg19) VCF-style: chr16-15820777-C-T.
Other names: c.3807G>A, p.Gln1269= (NM_001040113.2, NM_001040114.2); c.3786G>A, p.Gln1262= (NM_022844.3).
Identifiers: ClinVar variation 1171052 (VCV001171052.3), dbSNP rs2151225342, ClinGen allele CA493765826.